The following is an entry in ClinVar:

ClinVar aggregate classification (germline): Uncertain significance (1 of 4 stars; one submission).

Allele frequency attached by ClinVar (database versions not stated): gnomAD below 0.00001 and 0.00001; TOPMed 0.00001; ExAC 0.00003; gnomAD exomes 0.00003.

Submission:

Labcorp Genetics (formerly Invitae), Labcorp
Classification: Uncertain significance. Last evaluated: 2023-07-07. Review status: criteria provided, single submitter. Criteria: Invitae Variant Classification Sherloc (09022015). Collection method: clinical testing. Allele origin: germline.
Comment: In summary, the available evidence is currently insufficient to determine the role of this variant in disease. Therefore, it has been classified as a Variant of Uncertain Significance. An algorithm developed to predict the effect of missense changes on protein structure and function (PolyPhen-2) suggests that this variant is likely to be disruptive. ClinVar contains an entry for this variant (Variation ID: 1015309). This variant has not been reported in the literature in individuals affected with TUBGCP6-related conditions. This variant is present in population databases (rs770127600, gnomAD 0.01%). This sequence change replaces arginine, which is basic and polar, with tryptophan, which is neutral and slightly polar, at codon 1521 of the TUBGCP6 protein (p.Arg1521Trp).

NM_020461.4(TUBGCP6):c.4561C>T (p.Arg1521Trp)

Gene: TUBGCP6 (tubulin gamma complex component 6; minus strand). Cytogenetic location: 22q13.33.
Variant type: single nucleotide variant.
Coding change: c.4561C>T on transcript NM_020461.4 (MANE Select); coding-DNA position 4561, C replaced by T.
Protein change: p.Arg1521Trp; replaces arginine 1521 with tryptophan.
Molecular consequence: missense variant.
Genome position (GRCh38, 1-based): chr22:50,219,133, G>A on the plus strand (C>T on the coding strand, the complement: TUBGCP6 is on the minus strand). VCF-style: chr22-50219133-G-A. GRCh37 (hg19) VCF-style: chr22-50657562-G-A.
Other names: short protein forms R1521W.
Identifiers: ClinVar variation 1015309 (VCV001015309.6), dbSNP rs770127600, ClinGen allele CA10307447.